The following is an entry in ClinVar:

ClinVar aggregate classification (germline): Conflicting classifications of pathogenicity. Review status: criteria provided, conflicting classifications (1 of 4 stars). 2 submissions from 2 submitters: Likely pathogenic (1); Uncertain significance (1). Last evaluated 2026-04-14.

Conditions:
Familial intrahepatic cholestasis. Identifiers: Orphanet 284385, MedGen CN296401, MONDO:0017290.
Progressive familial intrahepatic cholestasis type 2. Identifiers: Orphanet 79304, MedGen C3489789, MONDO:0011156, OMIM 601847.

gnomAD v4.1: 1 of 1,575,284 alleles (0.000063%); highest among the groups gnomAD compares: Non-Finnish European, 0.000087%; no homozygotes.

Submissions (2):

Genomenon, Inc
Classification: Uncertain significance for Familial intrahepatic cholestasis. Last evaluated: 2026-04-14. Review status: criteria provided, single submitter. Criteria: Genomenon Sequence Variant Interpretation Standards - Updated. Collection method: curation. Allele origin: germline. Affected: no.
Comment: ABCB11 p.Arg1128Pro (c.3383G>C) is a missense variant that changes the amino acid at residue 1128 from Arginine to Proline. This variant has been reported in the published literature (PMID:39143102). The presence of pathogenic or likely pathogenic missense variant(s) at the same amino acid position indicates that this residue is likely important for protein function. It is absent or not present at a significant frequency in gnomAD. In silico models predict that this variant is possibly or probably damaging. In conclusion, we classify ABCB11 p.Arg1128Pro (c.3383G>C) as a variant of uncertain significance.

Broad Center for Mendelian Genomics, Broad Institute of MIT and Harvard
Classification: Likely pathogenic for Progressive familial intrahepatic cholestasis type 2. Last evaluated: 2025-02-05. Review status: criteria provided, single submitter. Criteria: ACMG Guidelines, 2015. Collection method: curation. Allele origin: germline. Inheritance: Autosomal recessive inheritance.
Comment: The p.Arg1128Pro variant in ABCB11 has not been previously reported in the literature in individuals with BSEP deficiency, but has been identified in in 0.00009% (1/1154718) of European (non-Finnish) chromosomes by the Genome Aggregation Database (gnomAD). Although this variant has been seen in the general population in a heterozygous state, its frequency is low enough to be consistent with a recessive carrier frequency. Computational prediction tools and conservation analyses suggest that this variant may impact the protein, though this information is not predictive enough to determine pathogenicity. Two additional pathogenic variants resulting in a different amino acid change at the same position, p.Arg1128Gly and p.Arg1128Cys, have been reported in association with disease in ClinVar, supporting that a change at this position may not be tolerated (Variation ID: 973515, 639640). In summary, although additional studies are required to fully establish its clinical significance, this variant is likely pathogenic for autosomal recessive BSEP deficiency. ACMG/AMP Criteria applied: PM5_strong, PP3_moderate, PM2_supporting (Richards 2015).

Literature cited by the submitters: PubMed 39143102 (cited by Genomenon, Inc).

NM_003742.4(ABCB11):c.3383G>C (p.Arg1128Pro)

Gene: ABCB11 (ATP binding cassette subfamily B member 11; minus strand). Cytogenetic location: 2q31.1.
Variant type: single nucleotide variant.
Coding change: c.3383G>C on transcript NM_003742.4 (MANE Select); coding-DNA position 3383, G replaced by C.
Protein change: p.Arg1128Pro; replaces arginine 1128 with proline.
Molecular consequence: missense variant.
Genome position (GRCh38, 1-based): chr2:168,930,693, C>G on the plus strand (G>C on the coding strand, the complement: ABCB11 is on the minus strand). VCF-style: chr2-168930693-C-G. GRCh37 (hg19) VCF-style: chr2-169787203-C-G.
Other names: NM_003742.4:c.3383G>C; short protein forms R1128P.
Identifiers: ClinVar variation 3776893 (VCV003776893.2).
Genomic context (GRCh38, chr2:168,930,693, plus strand): 5'-GGCAAAATTCTCAAAAAGGTTGCGTGGCTTACCACCTTCCCTTGATCAGGATCATAGAAA[C>G]GTTCCAACAGCTGAATGCTAGTGCTTTTGCCACATCCACTGCTCCCAACAAACGCCAGTG-3'
Protein context (NP_003733.2, residues 1118-1138): GKSTSIQLLE[Arg1128Pro]FYDPDQGKVM